The following is an entry in ClinVar:

ClinVar aggregate classification (germline): Uncertain significance. Review status: criteria provided, multiple submitters, no conflicts (2 of 4 stars). 2 submissions from 2 submitters: Uncertain significance (2). Last evaluated 2022-02-03.

Conditions:
Bartter disease type 1. Also called: Bartter Syndrome type 1; HYPERPROSTAGLANDIN E SYNDROME 1; HYPOKALEMIC ALKALOSIS WITH HYPERCALCIURIA 1, ANTENATAL; Bartter syndrome, type 1, antenatal. Identifiers: Orphanet 112, Orphanet 620217, MedGen C1866495, MONDO:0100344, OMIM 601678, MONDO:0011127.

Allele frequency attached by ClinVar (database versions not stated): gnomAD 0.00001 and 0.00003; gnomAD exomes 0.00002; ExAC 0.00016; 1000 Genomes Project 30x 0.00031; 1000 Genomes Project 0.00060.
gnomAD v4.1: 37 of 1,541,204 alleles (0.0024%); highest among the groups gnomAD compares: East Asian, 0.036%; no homozygotes.

Submissions (2):

Fulgent Genetics
Classification: Uncertain significance for Bartter disease type 1. Last evaluated: 2022-02-03. Review status: criteria provided, single submitter. Criteria: ACMG Guidelines, 2015. Collection method: clinical testing. Allele origin: unknown.

Labcorp Genetics (formerly Invitae), Labcorp
Classification: Uncertain significance. Last evaluated: 2021-09-17. Review status: criteria provided, single submitter. Criteria: Invitae Variant Classification Sherloc (09022015). Collection method: clinical testing. Allele origin: germline.
Comment: This sequence change replaces arginine with histidine at codon 951 of the SLC12A1 protein (p.Arg951His). The arginine residue is highly conserved and there is a small physicochemical difference between arginine and histidine. This variant is present in population databases (rs537641866, ExAC 0.1%). This variant has not been reported in the literature in individuals affected with SLC12A1-related conditions. Algorithms developed to predict the effect of missense changes on protein structure and function are either unavailable or do not agree on the potential impact of this missense change (SIFT: "Tolerated"; PolyPhen-2: "Probably Damaging"; Align-GVGD: "Class C0"). In summary, the available evidence is currently insufficient to determine the role of this variant in disease. Therefore, it has been classified as a Variant of Uncertain Significance.

NM_000338.3(SLC12A1):c.2852G>A (p.Arg951His)

Gene: SLC12A1 (solute carrier family 12 member 1; plus strand). Cytogenetic location: 15q21.1.
Variant type: single nucleotide variant.
Coding change: c.2852G>A on transcript NM_000338.3 (MANE Select); coding-DNA position 2852, G replaced by A.
Protein change: p.Arg951His; replaces arginine 951 with histidine.
Molecular consequence: missense variant.
Genome position (GRCh38, 1-based): chr15:48,288,495, G>A. VCF-style: chr15-48288495-G-A. GRCh37 (hg19) VCF-style: chr15-48580692-G-A.
Other names: c.2852G>A, p.Arg951His (NM_001184832.2, NM_001384136.1); short protein forms R951H.
Identifiers: ClinVar variation 1374104 (VCV001374104.6), dbSNP rs537641866, ClinGen allele CA7547531.